The following is an entry in ClinVar:

NM_024757.5(EHMT1):c.2588A>G (p.Gln863Arg)

Gene: EHMT1 (euchromatic histone lysine methyltransferase 1; plus strand). Cytogenetic location: 9q34.3.
Variant type: single nucleotide variant.
Coding change: c.2588A>G on transcript NM_024757.5 (MANE Select); coding-DNA position 2588, A replaced by G.
Protein change: p.Gln863Arg; replaces glutamine 863 with arginine.
Molecular consequence: missense variant.
Genome position (GRCh38, 1-based): chr9:137,798,895, A>G. VCF-style: chr9-137798895-A-G. GRCh37 (hg19) VCF-style: chr9-140693347-A-G.
Other names: c.2567A>G, p.Gln856Arg (NM_001354263.2); short protein forms Q856R, Q863R.
Identifiers: ClinVar variation 3764486 (VCV003764486.1).
Genomic context (GRCh38, chr9:137,798,895, plus strand): 5'-TGCACCTGGCTGCCAAGAAAGGCCACTACGAAGTGGTCCAGTACCTGCTTTCAAATGGAC[A>G]GATGGACGTCAACTGTCAGGTACAGCCACCCCCTCCCCTTAGCAGTACACTGTGTGGACT-3'
Protein context (NP_079033.4, residues 853-873): EVVQYLLSNG[Gln863Arg]MDVNCQDDGG

ClinVar aggregate classification (germline): Uncertain significance (1 of 4 stars; one submission).

gnomAD v4.1: 1 of 1,614,100 alleles (0.000062%); highest among the groups gnomAD compares: Non-Finnish European, 0.000085%; no homozygotes.

Submission:

GeneDx
Classification: Uncertain significance. Last evaluated: 2024-08-22. Review status: criteria provided, single submitter. Criteria: GeneDx Variant Classification Process June 2021. Collection method: clinical testing. Allele origin: germline. Affected: yes.
Comment: Not observed at significant frequency in large population cohorts (gnomAD); In silico analysis indicates that this missense variant does not alter protein structure/function; Has not been previously published as pathogenic or benign to our knowledge